The following is an entry in ClinVar:

ClinVar aggregate classification (germline): not provided (0 of 4 stars; one submission).

Allele frequency attached by ClinVar (database versions not stated): gnomAD 0.00001; TOPMed 0.00001.
gnomAD v4.1: 3 of 1,613,954 alleles (0.00019%); highest among the groups gnomAD compares: Admixed American, 0.0033%; no homozygotes.

Submission:

ITMI
No classification provided. Condition: AllHighlyPenetrant. Last evaluated: 2013-09-19. Review status: no classification provided. Collection method: reference population. Allele origin: germline.
Comment: Please see associated publication for description of ethnicities

Literature cited by the submitters: PubMed 24728327.

NM_000107.3(DDB2):c.319G>A (p.Ala107Thr)

Gene: DDB2 (damage specific DNA binding protein 2; plus strand). Cytogenetic location: 11p11.2.
Variant type: single nucleotide variant.
Coding change: c.319G>A on transcript NM_000107.3 (MANE Select); coding-DNA position 319, G replaced by A.
Protein change: p.Ala107Thr; replaces alanine 107 with threonine.
Molecular consequence: missense variant.
Genome position (GRCh38, 1-based): chr11:47,216,912, G>A. VCF-style: chr11-47216912-G-A. GRCh37 (hg19) VCF-style: chr11-47238463-G-A.
Other names: c.319G>A, p.Ala107Thr (NM_001300734.2); short protein forms A107T.
Identifiers: ClinVar variation 133960 (VCV000133960.1), dbSNP rs11537594, ClinGen allele CA158252.